The following is an entry in ClinVar:

NM_024580.6(EFL1):c.1091C>G (p.Pro364Arg)

Gene: EFL1 (elongation factor like GTPase 1; minus strand). Cytogenetic location: 15q25.2.
Variant type: single nucleotide variant.
Coding change: c.1091C>G on transcript NM_024580.6 (MANE Select); coding-DNA position 1091, C replaced by G.
Protein change: p.Pro364Arg; replaces proline 364 with arginine.
Molecular consequence: missense variant. On other transcripts: non-coding transcript variant (1).
Genome position (GRCh38, 1-based): chr15:82,227,551, G>C on the plus strand (C>G on the coding strand, the complement: EFL1 is on the minus strand). VCF-style: chr15-82227551-G-C. GRCh37 (hg19) VCF-style: chr15-82519892-G-C.
Other names: c.938C>G, p.Pro313Arg (NM_001040610.3); c.302C>G, p.Pro101Arg (NM_001322844.2); c.1091C>G, p.Pro364Arg (NM_001322845.2); short protein forms P101R, P313R, P364R.
Identifiers: ClinVar variation 1713754 (VCV001713754.5), dbSNP rs2505488773, ClinGen allele CA393277189.
Genomic context (GRCh38, chr15:82,227,551, plus strand): 5'-GTTTGTGATCCTGTGCACATCAGTCTCTCCACTCTCTCAGCTGTAATATCAAGGGGACTA[G>C]GAAGTTTCTGACACACCATAGCTGAAGTCTATTGTTAAGGACTGAAAACCTTGAGCCAGT-3'
Protein context (NP_078856.4, residues 354-374): AVLAMVCQKL[Pro364Arg]SPLDITAERV

ClinVar aggregate classification (germline): Uncertain significance (1 of 4 stars; one submission).

Submission:

Labcorp Genetics (formerly Invitae), Labcorp
Classification: Uncertain significance. Last evaluated: 2022-07-25. Review status: criteria provided, single submitter. Criteria: Invitae Variant Classification Sherloc (09022015). Collection method: clinical testing. Allele origin: germline.
Comment: This sequence change replaces proline, which is neutral and non-polar, with arginine, which is basic and polar, at codon 364 of the EFL1 protein (p.Pro364Arg). This variant is not present in population databases (gnomAD no frequency). This variant has not been reported in the literature in individuals affected with EFL1-related conditions. Algorithms developed to predict the effect of missense changes on protein structure and function are either unavailable or do not agree on the potential impact of this missense change (SIFT: "Deleterious"; PolyPhen-2: "Probably Damaging"; Align-GVGD: "Class C0"). In summary, the available evidence is currently insufficient to determine the role of this variant in disease. Therefore, it has been classified as a Variant of Uncertain Significance.